The following is an entry in ClinVar:

ClinVar aggregate classification (germline): Uncertain significance (1 of 4 stars; one submission).

Allele frequency attached by ClinVar (database versions not stated): gnomAD exomes below 0.00001.
gnomAD v4.1: 4 of 1,613,890 alleles (0.00025%); highest among the groups gnomAD compares: South Asian, 0.0011%; no homozygotes.

Submission:

Labcorp Genetics (formerly Invitae), Labcorp
Classification: Uncertain significance. Last evaluated: 2022-08-20. Review status: criteria provided, single submitter. Criteria: Invitae Variant Classification Sherloc (09022015). Collection method: clinical testing. Allele origin: germline.
Comment: This variant is present in population databases (no rsID available, gnomAD 0.003%). Algorithms developed to predict the effect of missense changes on protein structure and function are either unavailable or do not agree on the potential impact of this missense change (SIFT: "Deleterious"; PolyPhen-2: "Not Available"; Align-GVGD: "Class C0"). This variant has not been reported in the literature in individuals affected with PCLO-related conditions. This sequence change replaces leucine, which is neutral and non-polar, with phenylalanine, which is neutral and non-polar, at codon 2826 of the PCLO protein (p.Leu2826Phe). In summary, the available evidence is currently insufficient to determine the role of this variant in disease. Therefore, it has been classified as a Variant of Uncertain Significance.

NM_033026.6(PCLO):c.8476C>T (p.Leu2826Phe)

Gene: PCLO (piccolo presynaptic cytomatrix protein; minus strand). Cytogenetic location: 7q21.11.
Variant type: single nucleotide variant.
Coding change: c.8476C>T on transcript NM_033026.6 (MANE Select); coding-DNA position 8476, C replaced by T.
Protein change: p.Leu2826Phe; replaces leucine 2826 with phenylalanine.
Molecular consequence: missense variant.
Genome position (GRCh38, 1-based): chr7:82,952,477, G>A on the plus strand (C>T on the coding strand, the complement: PCLO is on the minus strand). VCF-style: chr7-82952477-G-A. GRCh37 (hg19) VCF-style: chr7-82581793-G-A.
Other names: c.8476C>T, p.Leu2826Phe (NM_014510.3); short protein forms L2826F.
Identifiers: ClinVar variation 2087294 (VCV002087294.4), dbSNP rs1226986104, ClinGen allele CA367911068.